The following is an entry in ClinVar:

ClinVar aggregate classification (germline): Uncertain significance (1 of 4 stars; one submission).

Submission:

GeneDx
Classification: Uncertain significance. Last evaluated: 2024-04-16. Review status: criteria provided, single submitter. Criteria: GeneDx Variant Classification Process June 2021. Collection method: clinical testing. Allele origin: germline. Affected: yes.
Comment: Not observed at significant frequency in large population cohorts (gnomAD); In silico analysis indicates that this missense variant does not alter protein structure/function; Has not been previously published as pathogenic or benign to our knowledge

NM_001257180.2(SLC20A2):c.962C>A (p.Ser321Tyr)

Gene: SLC20A2 (solute carrier family 20 member 2; minus strand). Cytogenetic location: 8p11.21.
Variant type: single nucleotide variant.
Coding change: c.962C>A on transcript NM_001257180.2 (MANE Select); coding-DNA position 962, C replaced by A.
Protein change: p.Ser321Tyr; replaces serine 321 with tyrosine.
Molecular consequence: missense variant.
Genome position (GRCh38, 1-based): chr8:42,437,550, G>T on the plus strand (C>A on the coding strand, the complement: SLC20A2 is on the minus strand). VCF-style: chr8-42437550-G-T. GRCh37 (hg19) VCF-style: chr8-42295068-G-T.
Other names: c.962C>A, p.Ser321Tyr (NM_001257181.2, NM_006749.5); short protein forms S321Y.
Identifiers: ClinVar variation 3372481 (VCV003372481.1).